The following is an entry in ClinVar:

NM_005619.5(RTN2):c.142GAG[2] (p.Glu50del)

Genes: RTN2 (reticulon 2; minus strand), OPA3-RTN2 (OPA3-RTN2 readthrough; minus strand). Cytogenetic location: 19q13.32.
Variant type: Microsatellite.
Coding change: c.142GAG[2] on transcript NM_005619.5 (MANE Select); two copies in a row of the 3-base unit GAG starting at c.142; the reference has three copies in a row; one copy, 3 bases deleted.
Protein change: p.Glu50del; deletes glutamic acid 50.
Molecular consequence: inframe deletion.
Genome position (GRCh38, 1-based): chr19:45,494,935-45,494,937, CTC deleted on the plus strand (GAG on the coding strand, the reverse complement: RTN2 is on the minus strand); deleting any 3 consecutive bases within chr19:45,494,935-45,494,943 gives the same sequence; the position shown is the placement nearest the transcript's 3' end. VCF-style (leftmost placement, unchanged base first): chr19-45494934-TCTC-T. GRCh37 (hg19) VCF-style: chr19-45998192-TCTC-T.
Other names: c.142GAG[2], p.Glu50del (NM_206900.3); short protein forms E50del.
Identifiers: ClinVar variation 967433 (VCV000967433.10), dbSNP rs767238040, ClinGen allele CA9516328.

ClinVar aggregate classification (germline): Uncertain significance. Review status: criteria provided, multiple submitters, no conflicts (2 of 4 stars). 2 submissions from 2 submitters: Uncertain significance (2). Last evaluated 2026-01-23.

Conditions:
Spastic paraplegia. Identifiers: MedGen C0037772, HP:0001258.

Submissions (2):

Labcorp Genetics (formerly Invitae), Labcorp
Classification: Uncertain significance for Spastic paraplegia. Last evaluated: 2026-01-23. Review status: criteria provided, single submitter. Criteria: Invitae Variant Classification Sherloc (09022015). Collection method: clinical testing. Allele origin: germline.
Comment: This variant, c.148_150del, results in the deletion of 1 amino acid(s) of the RTN2 protein (p.Glu50del), but otherwise preserves the integrity of the reading frame. This variant is present in population databases (rs767238040, gnomAD 0.06%). This variant has not been reported in the literature in individuals affected with RTN2-related conditions. ClinVar contains an entry for this variant (Variation ID: 967433). Experimental studies and prediction algorithms are not available or were not evaluated, and the functional significance of this variant is currently unknown. In summary, the available evidence is currently insufficient to determine the role of this variant in disease. Therefore, it has been classified as a Variant of Uncertain Significance.

Breakthrough Genomics
Classification: Uncertain significance. Review status: criteria provided, single submitter. Criteria: ACMG Guidelines, 2015. Collection method: not provided. Allele origin: germline. Inheritance: Autosomal dominant inheritance. Affected: yes.